The following is an entry in ClinVar:

ClinVar aggregate classification (germline): Uncertain significance (1 of 4 stars; one submission).

Conditions:
Cardiovascular phenotype. Identifiers: MedGen CN230736.

gnomAD v4.1: 3 of 1,614,094 alleles (0.00019%); highest among the groups gnomAD compares: Admixed American, 0.005%; no homozygotes.

Submission:

Ambry Genetics
Classification: Uncertain significance for Cardiovascular phenotype. Last evaluated: 2026-07-01. Review status: criteria provided, single submitter. Criteria: Ambry Variant Classification Scheme 2023. Collection method: clinical testing. Allele origin: germline.
Comment: The p.G1744R variant (also known as c.5230G>C), located in coding exon 26 of the APOB gene, results from a G to C substitution at nucleotide position 5230. The glycine at codon 1744 is replaced by arginine, an amino acid with dissimilar properties. This amino acid position is conserved. In addition, the in silico prediction for this alteration is inconclusive. Based on the available evidence, the clinical significance of this variant remains unclear.

NM_000384.3(APOB):c.5230G>C (p.Gly1744Arg)

Gene: APOB (apolipoprotein B; minus strand). Cytogenetic location: 2p24.1.
Variant type: single nucleotide variant.
Coding change: c.5230G>C on transcript NM_000384.3 (MANE Select); coding-DNA position 5230, G replaced by C.
Protein change: p.Gly1744Arg; replaces glycine 1744 with arginine.
Molecular consequence: missense variant.
Genome position (GRCh38, 1-based): chr2:21,011,638, C>G on the plus strand (G>C on the coding strand, the complement: APOB is on the minus strand). VCF-style: chr2-21011638-C-G. GRCh37 (hg19) VCF-style: chr2-21234510-C-G.
Other names: short protein forms G1744R.
Identifiers: ClinVar variation 5027031 (VCV005027031.1).